The following is an entry in ClinVar:

ClinVar aggregate classification (germline): Benign. Review status: criteria provided, multiple submitters, no conflicts (2 of 4 stars). 6 submissions from 6 submitters: Benign (6). Last evaluated 2026-01-31.

Conditions:
Chondrodysplasia punctata, brachytelephalangic, autosomal. Also called: BRACHYTELEPHALANGIC CHONDRODYSPLASIA PUNCTATA. Identifiers: MedGen C1844853, MONDO:0011238, OMIM 602497.
X-linked chondrodysplasia punctata 1 (CDPX1). Also called: Chondrodysplasia punctata, X-linked recessive; CHONDRODYSPLASIA PUNCTATA, BRACHYTELEPHALANGIC. Identifiers: Orphanet 79345, MedGen C3669395, MONDO:0010555, OMIM 302950.

Allele frequency attached by ClinVar (database versions not stated): gnomAD exomes 0.01974; ExAC 0.02457; gnomAD 0.06575 and 0.07015; 1000 Genomes Project 0.07285; TOPMed 0.07536; 1000 Genomes Project 30x 0.07908; ESP Exome Variant Server 0.07990.
gnomAD v4.1: 15,579 of 1,210,324 alleles (1.3%); highest among the groups gnomAD compares: African/African-American, 23%; 1,167 homozygotes.

Submissions (6):

Labcorp Genetics (formerly Invitae), Labcorp
Classification: Benign for Chondrodysplasia punctata, brachytelephalangic, autosomal. Last evaluated: 2026-01-31. Review status: criteria provided, single submitter. Criteria: Invitae Variant Classification Sherloc (09022015). Collection method: clinical testing. Allele origin: germline.

Genome-Nilou Lab
Classification: Benign for X-linked chondrodysplasia punctata 1. Last evaluated: 2021-07-14. Review status: criteria provided, single submitter. Criteria: ACMG Guidelines, 2015. Collection method: clinical testing. Allele origin: germline. Affected: no.

GeneDx
Classification: Benign. Last evaluated: 2016-08-26. Review status: criteria provided, single submitter. Criteria: GeneDx Variant Classification (06012015). Collection method: clinical testing. Allele origin: germline. Affected: yes.
Comment: This variant is considered likely benign or benign based on one or more of the following criteria: it is a conservative change, it occurs at a poorly conserved position in the protein, it is predicted to be benign by multiple in silico algorithms, and/or has population frequency not consistent with disease.

Genetic Services Laboratory, University of Chicago
Classification: Benign. Last evaluated: 2013-02-08. Review status: criteria provided, single submitter. Criteria: ACMG Guidelines, 2007. Collection method: clinical testing. Allele origin: germline. Inheritance: X-linked inheritance.

Breakthrough Genomics
Classification: Benign. Review status: criteria provided, single submitter. Criteria: ACMG Guidelines, 2015. Collection method: not provided. Allele origin: germline. Inheritance: X-linked inheritance. Affected: yes.

PreventionGenetics, part of Exact Sciences
Classification: Benign. Review status: criteria provided, single submitter. Criteria: ACMG Guidelines, 2015. Collection method: clinical testing. Allele origin: germline.

NM_000047.3(ARSL):c.78A>G (p.Ala26=)

Gene: ARSL (arylsulfatase L; minus strand). Cytogenetic location: Xp22.33.
Variant type: single nucleotide variant.
Coding change: c.78A>G on transcript NM_000047.3 (MANE Select); coding-DNA position 78, A replaced by G.
Protein change: p.Ala26=; no amino-acid change (alanine 26 retained).
Molecular consequence: synonymous variant. On other transcripts: intron variant (1).
Genome position (GRCh38, 1-based): chrX:2,958,381, T>C on the plus strand (A>G on the coding strand, the complement: ARSL is on the minus strand). VCF-style: chrX-2958381-T-C. GRCh37 (hg19) VCF-style: chrX-2876422-T-C.
Other names: c.153A>G, p.Ala51= (NM_001282628.2, NM_001369080.1); c.105A>G, p.Ala35= (NM_001369079.1); c.23+1997A>G (NM_001282631.2).
Identifiers: ClinVar variation 157737 (VCV000157737.20), dbSNP rs35718384, ClinGen allele CA171136.